The following is an entry in ClinVar:

ClinVar aggregate classification (germline): Uncertain significance. Review status: criteria provided, multiple submitters, no conflicts (2 of 4 stars). 4 submissions from 4 submitters: Uncertain significance (4). Last evaluated 2025-07-29.

Conditions:
Breast-ovarian cancer, familial, susceptibility to, 1 (BROVCA1). Also called: BRCA1 Hereditary Breast and Ovarian Cancer; OVARIAN CANCER, SUSCEPTIBILITY TO. Identifiers: Orphanet 145, MedGen C2676676, MONDO:0011450, OMIM 604370. Disease mechanism: loss of function.
Familial cancer of breast. Also called: hereditary breast carcinoma; BREAST CANCER, FAMILIAL; Hereditary breast cancer. Identifiers: Orphanet 227535, MedGen C0346153, MONDO:0016419, OMIM 114480. Disease mechanism: loss of function.
Fanconi anemia complementation group J. Also called: BRIP1-Related Fanconi Anemia. Identifiers: Orphanet 84, MedGen C1836860, MONDO:0012187, OMIM 609054.
Hereditary cancer-predisposing syndrome. Also called: Tumor predisposition; Neoplastic Syndromes, Hereditary; Hereditary Cancer Syndrome; Hereditary neoplastic syndrome. Identifiers: Orphanet 140162, MedGen C0027672, MeSH D009386, MONDO:0015356.

Submissions (4):

Institute of Immunology and Genetics Kaiserslautern
Classification: Uncertain significance for Breast-ovarian cancer, familial, susceptibility to, 1. Last evaluated: 2025-07-29. Review status: criteria provided, single submitter. Criteria: ACMG Guidelines, 2015. Collection method: clinical testing. Allele origin: germline. Affected: yes.
Comment: ACMG Criteria: PM2_P, PP3.

Ambry Genetics
Classification: Uncertain significance for Hereditary cancer-predisposing syndrome. Last evaluated: 2025-05-06. Review status: criteria provided, single submitter. Criteria: Ambry Variant Classification Scheme 2023. Collection method: clinical testing. Allele origin: germline.
Comment: The p.C367R variant (also known as c.1099T>C), located in coding exon 7 of the BRIP1 gene, results from a T to C substitution at nucleotide position 1099. The cysteine at codon 367 is replaced by arginine, an amino acid with highly dissimilar properties. This amino acid position is highly conserved in available vertebrate species. In addition, this alteration is predicted to be deleterious by in silico analysis. Based on the available evidence, the clinical significance of this variant remains unclear.

Baylor Genetics
Classification: Uncertain significance for Familial cancer of breast. Last evaluated: 2023-10-20. Review status: criteria provided, single submitter. Criteria: ACMG Guidelines, 2015. Collection method: clinical testing. Allele origin: unknown.

Labcorp Genetics (formerly Invitae), Labcorp
Classification: Uncertain significance for Familial cancer of breast; Fanconi anemia complementation group J. Last evaluated: 2021-09-04. Review status: criteria provided, single submitter. Criteria: Invitae Variant Classification Sherloc (09022015). Collection method: clinical testing. Allele origin: germline.
Comment: In summary, the available evidence is currently insufficient to determine the role of this variant in disease. Therefore, it has been classified as a Variant of Uncertain Significance. This sequence change replaces cysteine with arginine at codon 367 of the BRIP1 protein (p.Cys367Arg). The cysteine residue is highly conserved and there is a large physicochemical difference between cysteine and arginine. This variant is not present in population databases (ExAC no frequency). This variant has not been reported in the literature in individuals affected with BRIP1-related conditions. Algorithms developed to predict the effect of missense changes on protein structure and function are either unavailable or do not agree on the potential impact of this missense change (SIFT: "Deleterious"; PolyPhen-2: "Probably Damaging"; Align-GVGD: "Class C0").

NM_032043.3(BRIP1):c.1099T>C (p.Cys367Arg)

Gene: BRIP1 (BRCA1 interacting DNA helicase 1; minus strand). Cytogenetic location: 17q23.2.
Variant type: single nucleotide variant.
Coding change: c.1099T>C on transcript NM_032043.3 (MANE Select); coding-DNA position 1099, T replaced by C.
Protein change: p.Cys367Arg; replaces cysteine 367 with arginine.
Molecular consequence: missense variant.
Genome position (GRCh38, 1-based): chr17:61,801,294, A>G on the plus strand (T>C on the coding strand, the complement: BRIP1 is on the minus strand). VCF-style: chr17-61801294-A-G. GRCh37 (hg19) VCF-style: chr17-59878655-A-G.
Other names: short protein forms C367R.
Identifiers: ClinVar variation 576505 (VCV000576505.9), dbSNP rs1567831592, ClinGen allele CA400483935.